The following is an entry in ClinVar:

ClinVar aggregate classification (germline): Uncertain significance. Review status: criteria provided, multiple submitters, no conflicts (2 of 4 stars). 2 submissions from 2 submitters: Uncertain significance (2). Last evaluated 2024-04-25.

Conditions:
Cystic fibrosis (CF). Also called: MUCOVISCIDOSIS. Identifiers: Orphanet 586, MedGen C0010674, MONDO:0009061, OMIM 219700. Disease mechanism: loss of function.

Allele frequency attached by ClinVar (database versions not stated): gnomAD 0.00001.
gnomAD v4.1: 1 of 1,144,508 alleles (0.000087%); highest among the groups gnomAD compares: Non-Finnish European, 0.00013%; no homozygotes.

Submissions (2):

Women's Health and Genetics/Laboratory Corporation of America, LabCorp
Classification: Uncertain significance. Last evaluated: 2024-04-25. Review status: criteria provided, single submitter. Criteria: LabCorp Variant Classification Summary - May 2015. Collection method: clinical testing. Allele origin: germline.
Comment: Variant summary: CFTR c.2988+33G>T is located at a position not widely known to affect splicing. Consensus agreement among computation tools predict no significant impact on normal splicing. However, these predictions have yet to be confirmed by functional studies. The variant was absent in 247130 control chromosomes. The available data on variant occurrences in the general population are insufficient to allow any conclusion about variant significance. c.2988+33G>T has been reported in the literature in at least one compound heterozygous individual with suspected Cystic Fibrosis who carried second variant p.F508del in trans (e.g. Kolesar_2008). The variant has also been reported in individuals affected with Cystic Fibrosis, all reported to carry second allele p.F508del, with p.F508del occurring in the homozygous state in at least one individual, but unspecified heterozygous/homozygous state in additional individuals (e.g. Raraigh_2021). These data do not allow any conclusion about variant significance. To our knowledge, no experimental evidence demonstrating an impact on protein function has been reported. The following publications have been ascertained in the context of this evaluation (PMID: 19202204, 34782259). ClinVar contains an entry for this variant (Variation ID: 2736003). Based on the evidence outlined above, the variant was classified as uncertain significance.

Labcorp Genetics (formerly Invitae), Labcorp
Classification: Uncertain significance for Cystic fibrosis. Last evaluated: 2023-08-24. Review status: criteria provided, single submitter. Criteria: Invitae Variant Classification Sherloc (09022015). Collection method: clinical testing. Allele origin: germline.
Comment: This variant is not present in population databases (gnomAD no frequency). In summary, the available evidence is currently insufficient to determine the role of this variant in disease. Therefore, it has been classified as a Variant of Uncertain Significance. Algorithms developed to predict the effect of sequence changes on RNA splicing suggest that this variant is not likely to affect RNA splicing. This variant has been observed in individual(s) with clinical features of cystic fibrosis (PMID: 19202204). This sequence change falls in intron 18 of the CFTR gene. It does not directly change the encoded amino acid sequence of the CFTR protein.

Literature cited by the submitters: PubMed 19202204 (cited by Women's Health and Genetics/Laboratory Corporation of America, LabCorp and Labcorp Genetics (formerly Invitae), Labcorp); PubMed 34782259 (cited by Women's Health and Genetics/Laboratory Corporation of America, LabCorp).

NM_000492.4(CFTR):c.2988+33G>T

Genes: CFTR (CF transmembrane conductance regulator; plus strand), CFTR-AS2 (CFTR antisense RNA 2; minus strand). Cytogenetic location: 7q31.2.
Variant type: single nucleotide variant.
Coding change: c.2988+33G>T on transcript NM_000492.4 (MANE Select); 33 bases into the intron after coding-DNA position 2988, G replaced by T.
Molecular consequence: intron variant.
Genome position (GRCh38, 1-based): chr7:117,606,786, G>T. VCF-style: chr7-117606786-G-T. GRCh37 (hg19) VCF-style: chr7-117246840-G-T.
Identifiers: ClinVar variation 2736003 (VCV002736003.4), dbSNP rs1467591107, ClinGen allele CA832116079.